The following is an entry in ClinVar:

ClinVar aggregate classification (germline): Uncertain significance (1 of 4 stars; one submission).

Submission:

Greenwood Genetic Center Diagnostic Laboratories, Greenwood Genetic Center
Classification: Uncertain significance. Last evaluated: 2024-08-15. Review status: criteria provided, single submitter. Criteria: ACMG Guidelines, 2015. Collection method: clinical testing. Allele origin: germline. Affected: yes.
Comment: PM2, BP4

NM_022841.7(RFX7):c.4075T>A (p.Leu1359Met)

Gene: RFX7 (regulatory factor X7; minus strand). Cytogenetic location: 15q21.3.
Variant type: single nucleotide variant.
Coding change: c.4075T>A on transcript NM_022841.7 (MANE Select); coding-DNA position 4075, T replaced by A.
Protein change: p.Leu1359Met; replaces leucine 1359 with methionine.
Molecular consequence: missense variant.
Genome position (GRCh38, 1-based): chr15:56,093,653, A>T on the plus strand (T>A on the coding strand, the complement: RFX7 is on the minus strand). VCF-style: chr15-56093653-A-T. GRCh37 (hg19) VCF-style: chr15-56385851-A-T.
Other names: c.3784T>A, p.Leu1262Met (NM_001368073.2, NM_001368074.1, NM_001370554.1); c.4075T>A, p.Leu1359Met (NM_001370561.1); short protein forms L1262M, L1359M.
Identifiers: ClinVar variation 3765584 (VCV003765584.1).